The following is an entry in ClinVar:

ClinVar aggregate classification (germline): Conflicting classifications of pathogenicity. Review status: criteria provided, conflicting classifications (1 of 4 stars). 3 submissions from 3 submitters: Likely pathogenic (1); Uncertain significance (2). Last evaluated 2023-10-23.

Conditions:
Familial thoracic aortic aneurysm and aortic dissection (TAAD). Also called: Thoracic aortic aneurysms and dissections. Identifiers: Orphanet 91387, MedGen C4707243, MONDO:0019625.

Allele frequency attached by ClinVar (database versions not stated): gnomAD exomes below 0.00001.
gnomAD v4.1: 1 of 1,613,474 alleles (0.000062%); highest among the groups gnomAD compares: Non-Finnish European, 0.000085%; no homozygotes.

Submissions (3):

All of Us Research Program, National Institutes of Health
Classification: Uncertain significance for Familial thoracic aortic aneurysm and aortic dissection. Last evaluated: 2023-10-23. Review status: criteria provided, single submitter. Criteria: ACMG Guidelines, 2015. Collection method: clinical testing. Allele origin: germline. Inheritance: Autosomal dominant inheritance. Observed: 1 variant allele, 1 heterozygote.
Comment: Variant of Uncertain Significance due to insufficient evidence: This variant changes a single nucleotide in exon 25 of the MYH11 gene, causing a premature translational stop signal. This variant is expected to result in an absent or non-functional protein product. To our knowledge, functional assays have not been performed for this variant nor has this variant been reported in individuals affected with cardiovascular disorders in the literature. This variant is rare in the general population and has been identified in 0/277264 chromosomes by the Genome Aggregation Database (gnomAD). Disease-causing variants in MYH11 are mostly missense variants that act in a dominant-negative manner. The role of MYH11 truncation variants in cardiomyopathy is not clearly established. Available evidence is insufficient to determine the pathogenicity of this variant conclusively.

This study involves interpretation of variants in research participants for the purpose of population health screening. Participant phenotype was not available at the time of variant classification. Additional details can be found in publication PMID: 35346344, PMCID: PMC8962531

Color Diagnostics, LLC DBA Color Health
Classification: Uncertain significance for Familial thoracic aortic aneurysm and aortic dissection. Last evaluated: 2023-09-29. Review status: criteria provided, single submitter. Criteria: ACMG Guidelines, 2015. Collection method: clinical testing. Allele origin: germline.
Comment: This variant changes a single nucleotide in exon 25 of the MYH11 gene, causing a premature translational stop signal. This variant is expected to result in an absent or non-functional protein product. To our knowledge, this variant has not been reported in individuals affected with MYH11-related disorders in the literature. This variant has not been identified in the general population by the Genome Aggregation Database (gnomAD). Clinical relevance of loss-of-function MYH11 truncation variants in autosomal dominant cardiovascular disorders is not clearly established. The available evidence is insufficient to determine the role of this variant in disease conclusively. Therefore, this variant is classified as a Variant of Uncertain Significance.

GeneDx
Classification: Likely pathogenic. Last evaluated: 2016-05-17. Review status: criteria provided, single submitter. Criteria: GeneDx Variant Classification (06012015). Collection method: clinical testing. Allele origin: germline. Affected: yes.
Comment: The R1001X likely pathogenic variant in the MYH11 gene has not been reported previously as a pathogenic variantnor as a benign variant, to our knowledge. This variant is predicted to cause loss of normal protein function eitherthrough protein truncation or nonsense-mediated mRNA decay. The R1001X variant was not observed inapproximately 6500 individuals of European and African American ancestry in the NHLBI Exome SequencingProject, indicating it is not a common benign variant in these populations. The R1001X variant is a strong candidatefor a pathogenic variant, however the possibility it may be a rare benign variant cannot be excluded.

NM_002474.3(MYH11):c.3001C>T (p.Arg1001Ter)

Gene: MYH11 (myosin heavy chain 11; minus strand). Cytogenetic location: 16p13.11.
Variant type: single nucleotide variant.
Coding change: c.3001C>T on transcript NM_002474.3 (MANE Select); coding-DNA position 3001, C replaced by T.
Protein change: p.Arg1001Ter; replaces arginine 1001 with a stop codon.
Molecular consequence: nonsense.
Genome position (GRCh38, 1-based): chr16:15,738,685, G>A on the plus strand (C>T on the coding strand, the complement: MYH11 is on the minus strand). VCF-style: chr16-15738685-G-A. GRCh37 (hg19) VCF-style: chr16-15832542-G-A.
Other names: c.3022C>T, p.Arg1008Ter (NM_001040113.2, NM_001040114.2); c.3001C>T, p.Arg1001Ter (NM_022844.3); short protein forms R1001*, R1008*.
Identifiers: ClinVar variation 421270 (VCV000421270.8), dbSNP rs1064795023, ClinGen allele CA16620076.
Genomic context (GRCh38, chr16:15,738,685, plus strand): 5'-TTTCTTCCTCTTCTGCAAGATTTGTCGTTAAGTCACTAATCCTCTCCTCAAGGAGTTTTC[G>A]TTCCTTTTTGGGGAAAGAGAAAGAGATAGCTTTAGGATTTTTCTTTTCTCTAGAATCTAT-3'